The following is an entry in ClinVar:

ClinVar aggregate classification (germline): Conflicting classifications of pathogenicity. Review status: criteria provided, conflicting classifications (1 of 4 stars). 4 submissions from 4 submitters: Uncertain significance (3); Likely benign (1). Last evaluated 2023-09-19.

Conditions:
Inborn genetic diseases. Identifiers: MedGen C0950123, MeSH D030342.
Spondylometaphyseal dysplasia - Sutcliffe type. Also called: Spondylometaphyseal dysplasia, 'corner fracture' type; Spondylometaphyseal Dysplasia, Corner Fracture Type; Sutcliffe type of spondylometaphyseal dysplasia; Sutcliffe SMD. Identifiers: Orphanet 93315, MedGen C0432221, MONDO:0008479, OMIM 184255.
Glomerulopathy with fibronectin deposits 2 (GFND2). Identifiers: Orphanet 84090, MedGen C1866075, MONDO:0011165, OMIM 601894.

Allele frequency attached by ClinVar (database versions not stated): ESP Exome Variant Server 0.00015.
gnomAD v4.1: 24 of 1,613,990 alleles (0.0015%); highest among the groups gnomAD compares: African/African-American, 0.031%; no homozygotes.

Submissions (4):

GeneDx
Classification: Uncertain significance. Last evaluated: 2023-09-19. Review status: criteria provided, single submitter. Criteria: GeneDx Variant Classification Process June 2021. Collection method: clinical testing. Allele origin: germline. Affected: yes.
Comment: In silico analysis supports that this missense variant does not alter protein structure/function; Has not been previously published as pathogenic or benign to our knowledge

Labcorp Genetics (formerly Invitae), Labcorp
Classification: Likely benign. Last evaluated: 2022-12-06. Review status: criteria provided, single submitter. Criteria: Invitae Variant Classification Sherloc (09022015). Collection method: clinical testing. Allele origin: germline.

Fulgent Genetics
Classification: Uncertain significance for Spondylometaphyseal dysplasia - Sutcliffe type; Glomerulopathy with fibronectin deposits 2. Last evaluated: 2022-04-23. Review status: criteria provided, single submitter. Criteria: ACMG Guidelines, 2015. Collection method: clinical testing. Allele origin: unknown.

Ambry Genetics
Classification: Uncertain significance for Inborn genetic diseases. Last evaluated: 2022-02-03. Review status: criteria provided, single submitter. Criteria: Ambry Variant Classification Scheme 2023. Collection method: clinical testing. Allele origin: germline.

NM_212482.4(FN1):c.3149A>C (p.Lys1050Thr)

Gene: FN1 (fibronectin 1; minus strand). Cytogenetic location: 2q35.
Variant type: single nucleotide variant.
Coding change: c.3149A>C on transcript NM_212482.4 (MANE Select); coding-DNA position 3149, A replaced by C.
Protein change: p.Lys1050Thr; replaces lysine 1050 with threonine.
Molecular consequence: missense variant.
Genome position (GRCh38, 1-based): chr2:215,404,493, T>G on the plus strand (A>C on the coding strand, the complement: FN1 is on the minus strand). VCF-style: chr2-215404493-T-G. GRCh37 (hg19) VCF-style: chr2-216269216-T-G.
Other names: c.3149A>C (NM_212482.1); c.3149A>C, p.Lys1050Thr (NM_001306129.2, NM_001306130.2, NM_001306131.2 and 13 more transcripts); short protein forms K1050T.
Identifiers: ClinVar variation 1499265 (VCV001499265.11), dbSNP rs144581583, ClinGen allele CA2094792.